The following is an entry in ClinVar:

ClinVar aggregate classification (germline): Conflicting classifications of pathogenicity. Review status: criteria provided, conflicting classifications (1 of 4 stars). 6 submissions from 6 submitters: Uncertain significance (4); Likely benign (1). 1 of the submissions does not count toward it. Last evaluated 2025-02-04.

Conditions:
Hereditary cancer-predisposing syndrome. Also called: Hereditary Cancer Syndrome; Neoplastic Syndromes, Hereditary; Tumor predisposition; Hereditary neoplastic syndrome. Identifiers: Orphanet 140162, MedGen C0027672, MeSH D009386, MONDO:0015356.
Breast-ovarian cancer, familial, susceptibility to, 2 (BROVCA2). Also called: BRCA2 Hereditary Breast and Ovarian Cancer. Identifiers: Orphanet 145, MedGen C2675520, MONDO:0012933, OMIM 612555. Disease mechanism: loss of function.
Hereditary breast ovarian cancer syndrome. Also called: Hereditary breast and/or ovarian cancer syndrome; BRCA1- and BRCA2-Associated Hereditary Breast and Ovarian Cancer; Hereditary breast and ovarian cancer syndrome (HBOC); Hereditary breast and ovarian cancer; Hereditary breast and ovarian cancer syndrome; Breast and ovarian cancer. Identifiers: Orphanet 145, MedGen C0677776, MeSH D061325, MONDO:0003582. Disease mechanism: loss of function.

Allele frequency attached by ClinVar (database versions not stated): TOPMed below 0.00001; gnomAD 0.00001.
gnomAD v4.1: 3 of 1,608,146 alleles (0.00019%); highest among the groups gnomAD compares: African/African-American, 0.0027%; no homozygotes.

Submissions (6):

Labcorp Genetics (formerly Invitae), Labcorp
Classification: Uncertain significance for Hereditary breast ovarian cancer syndrome. Last evaluated: 2025-02-04. Review status: criteria provided, single submitter. Criteria: Invitae Variant Classification Sherloc (09022015). Collection method: clinical testing. Allele origin: germline.
Comment: This sequence change replaces isoleucine, which is neutral and non-polar, with methionine, which is neutral and non-polar, at codon 1851 of the BRCA2 protein (p.Ile1851Met). This variant is present in population databases (rs573514896, gnomAD 0.01%). This missense change has been observed in individual(s) with breast cancer (PMID: 22034289). ClinVar contains an entry for this variant (Variation ID: 231617). Invitae Evidence Modeling of protein sequence and biophysical properties (such as structural, functional, and spatial information, amino acid conservation, physicochemical variation, residue mobility, and thermodynamic stability) indicates that this missense variant is not expected to disrupt BRCA2 protein function with a negative predictive value of 95%. In summary, the available evidence is currently insufficient to determine the role of this variant in disease. Therefore, it has been classified as a Variant of Uncertain Significance.

Ambry Genetics
Classification: Uncertain significance for Hereditary cancer-predisposing syndrome. Last evaluated: 2024-05-31. Review status: criteria provided, single submitter. Criteria: Ambry Variant Classification Scheme 2023. Collection method: clinical testing. Allele origin: germline.
Comment: The p.I1851M variant (also known as c.5553C>G), located in coding exon 10 of the BRCA2 gene, results from a C to G substitution at nucleotide position 5553. The isoleucine at codon 1851 is replaced by methionine, an amino acid with highly similar properties. This alteration was identified in an individual diagnosed with breast cancer (Fackenthal JD et al. Int J Cancer, 2012 Sep;131:1114-23). This amino acid position is not well conserved in available vertebrate species. In addition, this alteration is predicted to be tolerated by in silico analysis. Since supporting evidence is limited at this time, the clinical significance of this alteration remains unclear.

University of Washington Department of Laboratory Medicine, University of Washington
Classification: Likely benign for Hereditary cancer-predisposing syndrome. Last evaluated: 2023-03-23. Review status: criteria provided, single submitter. Criteria: Dines et al. (Genet Med. 2020). Collection method: curation. Allele origin: germline.
Comment: Missense variant in a coldspot region where missense variants are very unlikely to be pathogenic (PMID:31911673).

BRCA2 exon 11 coldspot. Reclassification based on statistical prior probability.

GeneDx
Classification: Uncertain significance. Last evaluated: 2022-07-12. Review status: criteria provided, single submitter. Criteria: GeneDx Variant Classification Process June 2021. Collection method: clinical testing. Allele origin: germline. Affected: yes.
Comment: Not observed at significant frequency in large population cohorts (gnomAD); Observed in an individual with breast cancer (Fackenthal et al., 2012); In silico analysis supports that this missense variant does not alter protein structure/function; Also known as 5781C>G; This variant is associated with the following publications: (PMID: 22034289, 9002670, 22193408)

Women's Health and Genetics/Laboratory Corporation of America, LabCorp
Classification: Uncertain significance. Last evaluated: 2016-03-17. Review status: criteria provided, single submitter. Criteria: LabCorp Variant Classification Summary - May 2015. Collection method: clinical testing. Allele origin: germline.
Comment: Variant summary: The BRCA2 c.5553C>G (p.Ile1851Met) variant causes a missense change involving the alteration of a non-conserved nucleotide. 4/5 in silico tools predict a benign outcome for this variant. The variant of interest has been observed in a large, broad control population, ExAC, in 1/120654 control chromosomes at a frequency of 0.0000083, which does not exceed the estimated maximal expected allele frequency of a pathogenic BRCA2 variant (0.0007503). The variant is located in one of the BRCA repeats that is critical for binding to RAD51 (a key protein in DNA recombinational repair) and resistance to methyl methanesulphonate treatment (IPR002093). Multiple clinical diagnostic laboratories/reputable databases classified this variant as uncertain significance. Because of the absence of clinical information and the lack of functional studies, the variant is classified as a variant of uncertain significance (VUS) until additional information becomes available.

Sharing Clinical Reports Project (SCRP)
Classification: Uncertain significance for Breast-ovarian cancer, familial 2. Last evaluated: 2012-09-21. Review status: no assertion criteria provided. Collection method: clinical testing. Allele origin: germline. Not counted in ClinVar's aggregate classification.

Literature cited by the submitters: PubMed 22034289 (cited by 3 submitters).

NM_000059.4(BRCA2):c.5553C>G (p.Ile1851Met)

Gene: BRCA2 (BRCA2 DNA repair associated; plus strand). Cytogenetic location: 13q13.1.
Variant type: single nucleotide variant.
Coding change: c.5553C>G on transcript NM_000059.4 (MANE Select); coding-DNA position 5553, C replaced by G.
Protein change: p.Ile1851Met; replaces isoleucine 1851 with methionine.
Molecular consequence: missense variant.
Genome position (GRCh38, 1-based): chr13:32,339,908, C>G. VCF-style: chr13-32339908-C-G. GRCh37 (hg19) VCF-style: chr13-32914045-C-G.
Other names: 5781C>G; short protein forms I1851M.
Identifiers: ClinVar variation 231617 (VCV000231617.18), dbSNP rs573514896, ClinGen allele CA6940885.